The following is an entry in ClinVar:

ClinVar aggregate classification (germline): Uncertain significance. Review status: criteria provided, multiple submitters, no conflicts (2 of 4 stars). 2 submissions from 2 submitters: Uncertain significance (2). Last evaluated 2025-07-12.

Conditions:
Inborn genetic diseases. Identifiers: MedGen C0950123, MeSH D030342.
Cerebral folate transport deficiency. Also called: Cerebral folate deficiency syndrome; FOLATE RECEPTOR DEFICIENCY; NEURODEGENERATION DUE TO CEREBRAL FOLATE TRANSPORT DEFICIENCY; Neurodegenerative syndrome due to cerebral folate transport deficiency; FOLR1-Related Cerebral Folate Transport Deficiency. Identifiers: Orphanet 217382, MedGen C2751584, MONDO:0013110, OMIM 613068. Disease mechanism: loss of function.

Allele frequency attached by ClinVar (database versions not stated): gnomAD 0.00001.
gnomAD v4.1: 6 of 1,614,070 alleles (0.00037%); highest among the groups gnomAD compares: East Asian, 0.0022%; no homozygotes.

Submissions (2):

Ambry Genetics
Classification: Uncertain significance for Inborn genetic diseases. Last evaluated: 2025-07-12. Review status: criteria provided, single submitter. Criteria: Ambry Variant Classification Scheme 2023. Collection method: clinical testing. Allele origin: germline.

Labcorp Genetics (formerly Invitae), Labcorp
Classification: Uncertain significance for Cerebral folate transport deficiency. Last evaluated: 2021-12-20. Review status: criteria provided, single submitter. Criteria: Invitae Variant Classification Sherloc (09022015). Collection method: clinical testing. Allele origin: germline.
Comment: In summary, the available evidence is currently insufficient to determine the role of this variant in disease. Therefore, it has been classified as a Variant of Uncertain Significance. Algorithms developed to predict the effect of missense changes on protein structure and function (SIFT, PolyPhen-2, Align-GVGD) all suggest that this variant is likely to be tolerated. This variant has not been reported in the literature in individuals affected with FOLR1-related conditions. This variant is not present in population databases (gnomAD no frequency). This sequence change replaces aspartic acid, which is acidic and polar, with asparagine, which is neutral and polar, at codon 215 of the FOLR1 protein (p.Asp215Asn).

NM_016729.3(FOLR1):c.643G>A (p.Asp215Asn)

Genes: FOLR1 (folate receptor alpha; plus strand), FOLR1-AS1 (FOLR1 antisense RNA 1; minus strand). Cytogenetic location: 11q13.4.
Variant type: single nucleotide variant.
Coding change: c.643G>A on transcript NM_016729.3 (MANE Select); coding-DNA position 643, G replaced by A.
Protein change: p.Asp215Asn; replaces aspartic acid 215 with asparagine.
Molecular consequence: missense variant.
Genome position (GRCh38, 1-based): chr11:72,196,046, G>A. VCF-style: chr11-72196046-G-A. GRCh37 (hg19) VCF-style: chr11-71907090-G-A.
Other names: c.643G>A (NM_016725.2); c.643G>A, p.Asp215Asn (NM_000802.3, NM_016724.3, NM_016725.3 and 1 more transcripts); short protein forms D215N.
Identifiers: ClinVar variation 1928526 (VCV001928526.6), dbSNP rs910835204, ClinGen allele CA224405736.